The following is an entry in ClinVar:

NM_001792.5(CDH2):c.2054C>T (p.Ser685Leu)

Gene: CDH2 (cadherin 2; minus strand). Cytogenetic location: 18q12.1.
Variant type: single nucleotide variant.
Coding change: c.2054C>T on transcript NM_001792.5 (MANE Select); coding-DNA position 2054, C replaced by T.
Protein change: p.Ser685Leu; replaces serine 685 with leucine.
Molecular consequence: missense variant.
Genome position (GRCh38, 1-based): chr18:27,985,155, G>A on the plus strand (C>T on the coding strand, the complement: CDH2 is on the minus strand). VCF-style: chr18-27985155-G-A. GRCh37 (hg19) VCF-style: chr18-25565119-G-A.
Other names: c.1961C>T, p.Ser654Leu (NM_001308176.2); short protein forms S654L, S685L.
Identifiers: ClinVar variation 1785109 (VCV001785109.3), dbSNP rs1371255423, ClinGen allele CA402106963.

ClinVar aggregate classification (germline): Uncertain significance (1 of 4 stars; one submission).

Conditions:
Inborn genetic diseases. Identifiers: MedGen C0950123, MeSH D030342.

Allele frequency attached by ClinVar (database versions not stated): gnomAD exomes below 0.00001.
gnomAD v4.1: 3 of 1,612,862 alleles (0.00019%); highest among the groups gnomAD compares: Non-Finnish European, 0.00025%; no homozygotes.

Submission:

Ambry Genetics
Classification: Uncertain significance for Inborn genetic diseases. Last evaluated: 2025-02-04. Review status: criteria provided, single submitter. Criteria: Ambry Variant Classification Scheme 2023. Collection method: clinical testing. Allele origin: germline.
Comment: The p.S685L variant (also known as c.2054C>T), located in coding exon 13 of the CDH2 gene, results from a C to T substitution at nucleotide position 2054. The serine at codon 685 is replaced by leucine, an amino acid with dissimilar properties. This amino acid position is conserved. In addition, the in silico prediction for this alteration is inconclusive. Since supporting evidence is limited at this time, the clinical significance of this alteration remains unclear.